The following is an entry in ClinVar:

NM_017780.4(CHD7):c.8314C>T (p.Leu2772Phe)

Gene: CHD7 (chromodomain helicase DNA binding protein 7; plus strand). Cytogenetic location: 8q12.2.
Variant type: single nucleotide variant.
Coding change: c.8314C>T on transcript NM_017780.4 (MANE Select); coding-DNA position 8314, C replaced by T.
Protein change: p.Leu2772Phe; replaces leucine 2772 with phenylalanine.
Molecular consequence: missense variant.
Genome position (GRCh38, 1-based): chr8:60,865,253, C>T. VCF-style: chr8-60865253-C-T. GRCh37 (hg19) VCF-style: chr8-61777812-C-T.
Other names: c.2167C>T, p.Leu723Phe (NM_001316690.1); short protein forms L2772F, L723F.
Identifiers: ClinVar variation 2919128 (VCV002919128.3), dbSNP rs769262633, ClinGen allele CA177329329.

ClinVar aggregate classification (germline): Uncertain significance (1 of 4 stars; one submission).

Conditions:
CHARGE syndrome (CHARGE). Also called: Hittner Hirsch Kreh syndrome; CHARGE ASSOCIATION--COLOBOMA, HEART ANOMALY, CHOANAL ATRESIA, RETARDATION, GENITAL AND EAR ANOMALIES; Coloboma, heart anomaly, choanal atresia, retardation, genital and ear anomalies; CHARGE association; Hall-Hittner syndrome. Identifiers: Orphanet 138, MedGen C0265354, MONDO:0008965.

Allele frequency attached by ClinVar (database versions not stated): gnomAD 0.00001.
gnomAD v4.1: 13 of 1,607,162 alleles (0.00081%); highest among the groups gnomAD compares: African/African-American, 0.0013%; no homozygotes.

Submission:

Labcorp Genetics (formerly Invitae), Labcorp
Classification: Uncertain significance for CHARGE syndrome. Last evaluated: 2025-10-31. Review status: criteria provided, single submitter. Criteria: Invitae Variant Classification Sherloc (09022015). Collection method: clinical testing. Allele origin: germline.
Comment: This sequence change replaces leucine, which is neutral and non-polar, with phenylalanine, which is neutral and non-polar, at codon 2772 of the CHD7 protein (p.Leu2772Phe). The frequency data for this variant in the population databases is considered unreliable, as metrics indicate poor data quality at this position in the gnomAD database. This variant has not been reported in the literature in individuals affected with CHD7-related conditions. ClinVar contains an entry for this variant (Variation ID: 2919128). Invitae Evidence Modeling of protein sequence and biophysical properties (such as structural, functional, and spatial information, amino acid conservation, physicochemical variation, residue mobility, and thermodynamic stability) has been performed for this missense variant. However, the output from this modeling did not meet the statistical confidence thresholds required to predict the impact of this variant on CHD7 protein function. In summary, the available evidence is currently insufficient to determine the role of this variant in disease. Therefore, it has been classified as a Variant of Uncertain Significance.